The following is an entry in ClinVar:

ClinVar aggregate classification (germline): Uncertain significance (1 of 4 stars; one submission).

gnomAD v4.1: 1 of 1,613,880 alleles (0.000062%); highest among the groups gnomAD compares: Non-Finnish European, 0.000085%; no homozygotes.

Submission:

Labcorp Genetics (formerly Invitae), Labcorp
Classification: Uncertain significance. Last evaluated: 2024-06-11. Review status: criteria provided, single submitter. Criteria: Invitae Variant Classification Sherloc (09022015). Collection method: clinical testing. Allele origin: germline.
Comment: This sequence change replaces leucine, which is neutral and non-polar, with proline, which is neutral and non-polar, at codon 993 of the TTC37 protein (p.Leu993Pro). This variant is not present in population databases (gnomAD no frequency). This variant has not been reported in the literature in individuals affected with TTC37-related conditions. An algorithm developed to predict the effect of missense changes on protein structure and function (PolyPhen-2) suggests that this variant is likely to be disruptive. In summary, the available evidence is currently insufficient to determine the role of this variant in disease. Therefore, it has been classified as a Variant of Uncertain Significance.

NM_014639.4(SKIC3):c.2978T>C (p.Leu993Pro)

Gene: SKIC3 (SKI3 subunit of superkiller complex; minus strand). Cytogenetic location: 5q15.
Variant type: single nucleotide variant.
Coding change: c.2978T>C on transcript NM_014639.4 (MANE Select); coding-DNA position 2978, T replaced by C.
Protein change: p.Leu993Pro; replaces leucine 993 with proline.
Molecular consequence: missense variant.
Genome position (GRCh38, 1-based): chr5:95,509,630, A>G on the plus strand (T>C on the coding strand, the complement: SKIC3 is on the minus strand). VCF-style: chr5-95509630-A-G. GRCh37 (hg19) VCF-style: chr5-94845334-A-G.
Other names: short protein forms L993P.
Identifiers: ClinVar variation 3716251 (VCV003716251.2).